The following is an entry in ClinVar:

NM_138295.5(PKD1L1):c.812A>G (p.Tyr271Cys)

Gene: PKD1L1 (polycystin 1 like 1, transient receptor potential channel interacting; minus strand). Cytogenetic location: 7p12.3.
Variant type: single nucleotide variant.
Coding change: c.812A>G on transcript NM_138295.5 (MANE Select); coding-DNA position 812, A replaced by G.
Protein change: p.Tyr271Cys; replaces tyrosine 271 with cysteine.
Molecular consequence: missense variant.
Genome position (GRCh38, 1-based): chr7:47,929,452, T>C on the plus strand (A>G on the coding strand, the complement: PKD1L1 is on the minus strand). VCF-style: chr7-47929452-T-C. GRCh37 (hg19) VCF-style: chr7-47969049-T-C.
Other names: short protein forms Y271C.
Identifiers: ClinVar variation 3029856 (VCV003029856.2), dbSNP rs767872611, ClinGen allele CA4254217.
Genomic context (GRCh38, chr7:47,929,452, plus strand): 5'-TTCATGAAGTTATCAGAATTTCGAGCTAGGATGGCCACAGGAGGATGCTGAGTAGGGGGA[T>C]AGAGGATCTCAGAACCAGACTGCGATGCCGTGAAGCTGGGGGTGCGAGGAATGCCAGGCG-3'
Protein context (NP_612152.1, residues 261-281): TASQSGSEIL[Tyr271Cys]PPTQHPPVAI

ClinVar aggregate classification (germline): Uncertain significance (0 of 4 stars; one submission).

Conditions:
PKD1L1-related disorder. Also called: PKD1L1-related condition.

Allele frequency attached by ClinVar (database versions not stated): ExAC 0.00001; gnomAD 0.00001; gnomAD exomes 0.00001; TOPMed 0.00004.
gnomAD v4.1: 15 of 1,613,904 alleles (0.00093%); highest among the groups gnomAD compares: Admixed American, 0.012%; no homozygotes.

Submission:

PreventionGenetics, part of Exact Sciences
Classification: Uncertain significance for PKD1L1-related condition. Last evaluated: 2023-12-11. Review status: no assertion criteria provided. Collection method: clinical testing. Allele origin: germline.
Comment: The PKD1L1 c.812A>G variant is predicted to result in the amino acid substitution p.Tyr271Cys. To our knowledge, this variant has not been reported in the literature. This variant is reported in 0.017% of alleles in individuals of Latino descent in gnomAD. At this time, the clinical significance of this variant is uncertain due to the absence of conclusive functional and genetic evidence.